The following is an entry in ClinVar:

ClinVar aggregate classification (germline): Conflicting classifications of pathogenicity. Review status: criteria provided, conflicting classifications (1 of 4 stars). 2 submissions from 2 submitters: Uncertain significance (1); Likely benign (1). Last evaluated 2024-10-17.

Conditions:
Epidermolysis bullosa simplex 5B, with muscular dystrophy (EBS5B). Also called: Epidermolysis bullosa simplex with muscular dystrophy; EPIDERMOLYSIS BULLOSA SIMPLEX AND LIMB-GIRDLE MUSCULAR DYSTROPHY. Identifiers: Orphanet 257, MedGen C2931072, MONDO:0009181, OMIM 226670.
Epidermolysis bullosa simplex with nail dystrophy (EBS5D). Identifiers: MedGen C4225309, MONDO:0014661, OMIM 616487.
Epidermolysis bullosa simplex, Ogna type (EBS5A). Also called: Pidermolysis bullosa simplex 5A, Ogna type; EPIDERMOLYSIS BULLOSA SIMPLEX 5A, OGNA TYPE. Identifiers: Orphanet 79401, MedGen C0432317, MONDO:0007555, OMIM 131950.
Epidermolysis bullosa simplex 5C, with pyloric atresia (EBS5C). Also called: PLEC1-Related Epidermolysis Bullosa with Pyloric Atresia; PLEC-Related Epidermolysis Bullosa with Pyloric Atresia; Epidermolysis bullosa simplex with pyloric atresia. Identifiers: Orphanet 158684, MedGen C2677349, MONDO:0012807, OMIM 612138.
Autosomal recessive limb-girdle muscular dystrophy type 2Q (LGMDR17). Also called: MUSCULAR DYSTROPHY, LIMB-GIRDLE, AUTOSOMAL RECESSIVE 17. Identifiers: Orphanet 254361, MedGen C3150989, MONDO:0013390, OMIM 613723.

gnomAD v4.1: 80 of 1,606,882 alleles (0.005%); highest among the groups gnomAD compares: Non-Finnish European, 0.00059%; no homozygotes.

Submissions (2):

Labcorp Genetics (formerly Invitae), Labcorp
Classification: Uncertain significance for Autosomal recessive limb-girdle muscular dystrophy type 2Q; Epidermolysis bullosa simplex, Ogna type; Epidermolysis bullosa simplex with nail dystrophy; Epidermolysis bullosa simplex 5C, with pyloric atresia; Epidermolysis bullosa simplex 5B, with muscular dystrophy. Last evaluated: 2024-10-17. Review status: criteria provided, single submitter. Criteria: Invitae Variant Classification Sherloc (09022015). Collection method: clinical testing. Allele origin: germline.
Comment: This sequence change falls in intron 15 of the PLEC gene. It does not directly change the encoded amino acid sequence of the PLEC protein. It affects a nucleotide within the consensus splice site. This variant is present in population databases (rs782056762, gnomAD 0.1%). This variant has not been reported in the literature in individuals affected with PLEC-related conditions. Variants that disrupt the consensus splice site are a relatively common cause of aberrant splicing (PMID: 17576681, 9536098). Algorithms developed to predict the effect of sequence changes on RNA splicing suggest that this variant is not likely to affect RNA splicing. In summary, the available evidence is currently insufficient to determine the role of this variant in disease. Therefore, it has been classified as a Variant of Uncertain Significance.

Blueprint Genetics
Classification: Likely benign. Last evaluated: 2022-12-02. Review status: criteria provided, single submitter. Criteria: ACMG Guidelines, 2015. Collection method: clinical testing. Allele origin: germline.

Literature cited by the submitters: PubMed 17576681 (cited by Labcorp Genetics (formerly Invitae), Labcorp); PubMed 9536098 (cited by Labcorp Genetics (formerly Invitae), Labcorp).

NM_201384.3(PLEC):c.1738-3C>T

Gene: PLEC (plectin; minus strand). Cytogenetic location: 8q24.3.
Variant type: single nucleotide variant.
Coding change: c.1738-3C>T on transcript NM_201384.3 (MANE Select); 3 bases into the intron before coding-DNA position 1738, C replaced by T.
Molecular consequence: intron variant.
Genome position (GRCh38, 1-based): chr8:143,932,715, G>A on the plus strand (C>T on the coding strand, the complement: PLEC is on the minus strand). VCF-style: chr8-143932715-G-A. GRCh37 (hg19) VCF-style: chr8-145006883-G-A.
Other names: c.1819-3C>T (NM_001410941.1, NM_000445.5); c.1696-3C>T (NM_201378.4); c.1672-3C>T (NM_201379.3); c.2149-3C>T (NM_201380.4); c.1642-3C>T (NM_201381.3); c.1738-3C>T (NM_201382.4); c.1750-3C>T (NM_201383.3).
Identifiers: ClinVar variation 3753339 (VCV003753339.3).
Genomic context (GRCh38, chr8:143,932,715, plus strand): 5'-GGTCCAGCCGACCCAGGCAGTCACGGTAGGCACCCCGGGTGGCGGGGGAGAGCTGGCCCT[G>A]CAACAGATGAGACGGTGAGGTCTGCAGTGGCTGGGCCCGGCCCACCCCCGCACTGCCCAT-3'